The following is an entry in ClinVar:

NM_002691.4(POLD1):c.890G>T (p.Ser297Ile)

Gene: POLD1 (DNA polymerase delta 1, catalytic subunit; plus strand). Cytogenetic location: 19q13.33.
Variant type: single nucleotide variant.
Coding change: c.890G>T on transcript NM_002691.4 (MANE Select); coding-DNA position 890, G replaced by T.
Protein change: p.Ser297Ile; replaces serine 297 with isoleucine.
Molecular consequence: missense variant. On other transcripts: non-coding transcript variant (1).
Genome position (GRCh38, 1-based): chr19:50,402,661, G>T. VCF-style: chr19-50402661-G-T. GRCh37 (hg19) VCF-style: chr19-50905918-G-T.
Other names: c.890G>T, p.Ser297Ile (NM_001256849.1, NM_001308632.1); short protein forms S297I.
Identifiers: ClinVar variation 576531 (VCV000576531.8), dbSNP rs1568621267, ClinGen allele CA406976929.
Genomic context (GRCh38, chr19:50,402,661, plus strand): 5'-CATGCCCACAGGCTACGCAGTGCCAGCTGGAGGCGGACGTGCTGTGGTCTGACGTGGTCA[G>T]TCACCCACCGGAAGGGCCATGGCAGCGCATTGCGCCCTTGCGCGTGCTCAGCTTCGATAT-3'
Protein context (NP_002682.2, residues 287-307): EADVLWSDVV[Ser297Ile]HPPEGPWQRI

ClinVar aggregate classification (germline): Uncertain significance (1 of 4 stars; one submission).

Conditions:
POLD1-related polyposis and colorectal cancer syndrome (CRCS10). Also called: Colorectal cancer 10; COLORECTAL CANCER, SUSCEPTIBILITY TO, ON CHROMOSOME 19q; Colorectal cancer, susceptibility to, 10. Identifiers: Orphanet 220460, MedGen C2675481, MONDO:0012953, OMIM 612591.

Submission:

Labcorp Genetics (formerly Invitae), Labcorp
Classification: Uncertain significance for POLD1-related polyposis and colorectal cancer syndrome. Last evaluated: 2018-04-01. Review status: criteria provided, single submitter. Criteria: Invitae Variant Classification Sherloc (09022015). Collection method: clinical testing. Allele origin: germline.
Comment: In summary, the available evidence is currently insufficient to determine the role of this variant in disease. Therefore, it has been classified as a Variant of Uncertain Significance. Algorithms developed to predict the effect of missense changes on protein structure and function do not agree on the potential impact of this missense change (SIFT: "Tolerated"; PolyPhen-2: "Probably Damaging"; Align-GVGD: "Class C0"). This variant has not been reported in the literature in individuals with POLD1-related disease. This variant is not present in population databases (ExAC no frequency). This sequence change replaces serine with isoleucine at codon 297 of the POLD1 protein (p.Ser297Ile). The serine residue is moderately conserved and there is a large physicochemical difference between serine and isoleucine.